The following is an entry in ClinVar:

ClinVar aggregate classification (germline): Uncertain significance (1 of 4 stars; one submission).

Conditions:
3-methylcrotonyl-CoA carboxylase 1 deficiency (MCC1D). Also called: MCCD TYPE 1; METHYLCROTONYLGLYCINURIA TYPE I; MCC 1 deficiency; 3 Alpha methylcrotonylglycinuria 1. Identifiers: Orphanet 6, MedGen CN028786, MONDO:0008861, OMIM 210200.

Allele frequency attached by ClinVar (database versions not stated): gnomAD exomes 0.00001 and 0.00002; ExAC 0.00002; TOPMed 0.00002; gnomAD 0.00005.
gnomAD v4.1: 21 of 1,613,974 alleles (0.0013%); highest among the groups gnomAD compares: Middle Eastern, 0.016%; no homozygotes.

Submission:

Labcorp Genetics (formerly Invitae), Labcorp
Classification: Uncertain significance for 3-methylcrotonyl-CoA carboxylase 1 deficiency. Last evaluated: 2025-10-28. Review status: criteria provided, single submitter. Criteria: Invitae Variant Classification Sherloc (09022015). Collection method: clinical testing. Allele origin: germline.
Comment: This sequence change replaces alanine, which is neutral and non-polar, with valine, which is neutral and non-polar, at codon 77 of the MCCC1 protein (p.Ala77Val). This variant is present in population databases (rs776594363, gnomAD 0.008%). This missense change has been observed in individual(s) with clinical features of 3-methylcrotonyl-CoA carboxylase (3MCC) deficiency (internal data). In at least one individual the data is consistent with being in trans (on the opposite chromosome) from a pathogenic variant. ClinVar contains an entry for this variant (Variation ID: 1398011). Invitae Evidence Modeling of protein sequence and biophysical properties (such as structural, functional, and spatial information, amino acid conservation, physicochemical variation, residue mobility, and thermodynamic stability) has been performed for this missense variant. However, the output from this modeling did not meet the statistical confidence thresholds required to predict the impact of this variant on MCCC1 protein function. Algorithms developed to predict the effect of sequence changes on RNA splicing suggest that this variant may disrupt the consensus splice site. In summary, the available evidence is currently insufficient to determine the role of this variant in disease. Therefore, it has been classified as a Variant of Uncertain Significance.

NM_020166.5(MCCC1):c.230C>T (p.Ala77Val)

Gene: MCCC1 (methylcrotonyl-CoA carboxylase subunit 1; minus strand). Cytogenetic location: 3q27.1.
Variant type: single nucleotide variant.
Coding change: c.230C>T on transcript NM_020166.5 (MANE Select); coding-DNA position 230, C replaced by T.
Protein change: p.Ala77Val; replaces alanine 77 with valine.
Molecular consequence: missense variant. On other transcripts: non-coding transcript variant (1), intron variant (2).
Genome position (GRCh38, 1-based): chr3:183,092,452, G>A on the plus strand (C>T on the coding strand, the complement: MCCC1 is on the minus strand). VCF-style: chr3-183092452-G-A. GRCh37 (hg19) VCF-style: chr3-182810240-G-A.
Other names: c.-55+2107C>T (NM_001363880.1); c.44+2107C>T (NM_001293273.2); short protein forms A77V.
Identifiers: ClinVar variation 1398011 (VCV001398011.8), dbSNP rs776594363, ClinGen allele CA2719164.